The following is an entry in ClinVar:

NM_004415.4(DSP):c.2135_2136del (p.Val712fs)

Gene: DSP (desmoplakin; plus strand). Cytogenetic location: 6p24.3.
Variant type: Microsatellite.
Coding change: c.2135_2136del on transcript NM_004415.4 (MANE Select); coding-DNA positions 2135 to 2136, 2 bases deleted (TG; older notation c.2135_2136delTG).
Protein change: p.Val712fs; shifts the reading frame from valine 712.
Molecular consequence: frameshift variant.
Genome position (GRCh38, 1-based): chr6:7,574,090-7,574,091, TG deleted; deleting any 2 consecutive bases within chr6:7,574,087-7,574,091 gives the same sequence; the c. name uses the placement nearest the transcript's 3' end. VCF-style (leftmost placement, unchanged base first): chr6-7574086-AGT-A. GRCh37 (hg19) VCF-style: chr6-7574319-AGT-A.
Other names: c.2135_2136del, p.Val712fs (NM_001008844.3, NM_001319034.2); short protein forms V712fs.
Identifiers: ClinVar variation 4787894 (VCV004787894.1).
Genomic context (GRCh38, chr6:7,574,086, plus strand): 5'-ATATATACAGTAATAAAAAGAATCAGCTAAATCAAAAGAGCTTTCCTTCATTTTTGACAG[AGT>A]GTGCAGAATGATTCACAAGCAATTGCTGAGGTTCTCAACCAGCTTAAAGATATGCTTGCC-3'

ClinVar aggregate classification (germline): Pathogenic (1 of 4 stars; one submission).

Conditions:
Arrhythmogenic right ventricular dysplasia 8 (ARVD8). Also called: Arrhythmogenic Right Ventricular Dysplasia/Cardiomyopathy 8; ARRHYTHMOGENIC RIGHT VENTRICULAR DYSPLASIA, FAMILIAL, 8; ARRHYTHMOGENIC RIGHT VENTRICULAR CARDIOMYOPATHY 8. Identifiers: MedGen C1843896, MONDO:0011831, OMIM 607450.
Arrhythmogenic cardiomyopathy with wooly hair and keratoderma. Also called: Arrhythmogenic cardiomyopathy with woolly hair and keratoderma; PALMOPLANTAR KERATODERMA WITH LEFT VENTRICULAR CARDIOMYOPATHY AND WOOLLY HAIR; Carvajal syndrome; Dilated cardiomyopathy with woolly hair and keratoderma. Identifiers: Orphanet 65282, MedGen C1854063, MONDO:0011581, OMIM 605676.

Submission:

Labcorp Genetics (formerly Invitae), Labcorp
Classification: Pathogenic for Arrhythmogenic cardiomyopathy with wooly hair and keratoderma; Arrhythmogenic right ventricular dysplasia 8. Last evaluated: 2025-07-29. Review status: criteria provided, single submitter. Criteria: Invitae Variant Classification Sherloc (09022015). Collection method: clinical testing. Allele origin: germline.
Comment: This sequence change creates a premature translational stop signal (p.Val712Alafs*3) in the DSP gene. It is expected to result in an absent or disrupted protein product. Loss-of-function variants in DSP are known to be pathogenic (PMID: 20716751, 24503780, 25227139). This variant is not present in population databases (gnomAD no frequency). This premature translational stop signal has been observed in individual(s) with DSP-related conditions (PMID: 36136372). For these reasons, this variant has been classified as Pathogenic.

Literature cited by the submitters: PubMed 20716751; PubMed 24503780; PubMed 25227139; PubMed 36136372.